The following is an entry in ClinVar:

NM_001329943.3(KIAA0586):c.1093del (p.Glu365fs)

Gene: KIAA0586 (KIAA0586; plus strand). Cytogenetic location: 14q23.1.
Variant type: Deletion.
Coding change: c.1093del on transcript NM_001329943.3 (MANE Select); coding-DNA position 1093, one base deleted (G; older notation c.1093delG).
Protein change: p.Glu365fs; shifts the reading frame from glutamic acid 365.
Molecular consequence: frameshift variant.
Genome position (GRCh38, 1-based): chr14:58,450,710, G deleted; the last of 2 consecutive G bases (chr14:58,450,709-58,450,710); deleting either gives the same sequence. VCF-style (leftmost placement, unchanged base first): chr14-58450708-TG-T. GRCh37 (hg19) VCF-style: chr14-58917426-TG-T.
Other names: c.1252del, p.Glu418fs (NM_001244189.2); c.1048del, p.Glu350fs (NM_001244190.2); c.838del, p.Glu280fs (NM_001244191.2, NM_001329945.2, NM_001364700.1 and 1 more transcripts); c.961del, p.Glu321fs (NM_001244192.2); c.673del, p.Glu225fs (NM_001244193.2); c.1093del, p.Glu365fs (NM_001329944.2, NM_001329946.2, NM_001329947.2 and 1 more transcripts); short protein forms E321fs, E418fs, E280fs, E350fs, E365fs, E225fs.
Identifiers: ClinVar variation 1457538 (VCV001457538.7), dbSNP rs1232900431, ClinGen allele CA614733363.

ClinVar aggregate classification (germline): Pathogenic. Review status: criteria provided, multiple submitters, no conflicts (2 of 4 stars). 2 submissions from 2 submitters: Pathogenic (2). Last evaluated 2024-08-08.

Conditions:
KIAA0586-related disorder. Also called: KIAA0586- Related disorders; KIAA0586-related condition.
Short-rib thoracic dysplasia 14 with polydactyly (SRTD14). Identifiers: Orphanet 397715, MedGen C4225286, MONDO:0014688, OMIM 616546.
Joubert syndrome 23 (JBTS23). Identifiers: Orphanet 475, MedGen C4084822, MONDO:0014664, OMIM 616490.

Submissions (2):

Labcorp Genetics (formerly Invitae), Labcorp
Classification: Pathogenic for Joubert syndrome 23; Short-rib thoracic dysplasia 14 with polydactyly. Last evaluated: 2024-08-08. Review status: criteria provided, single submitter. Criteria: Invitae Variant Classification Sherloc (09022015). Collection method: clinical testing. Allele origin: germline.
Comment: This sequence change creates a premature translational stop signal (p.Glu418Lysfs*15) in the KIAA0586 gene. It is expected to result in an absent or disrupted protein product. Loss-of-function variants in KIAA0586 are known to be pathogenic (PMID: 26096313, 26166481, 26386044). The frequency data for this variant in the population databases is considered unreliable, as metrics indicate poor data quality at this position in the gnomAD database. This premature translational stop signal has been observed in individual(s) with Joubert syndrome (PMID: 26437029). In at least one individual the data is consistent with being in trans (on the opposite chromosome) from a pathogenic variant. It has also been observed to segregate with disease in related individuals. This variant is also known as c.1047delG (p.Glu350Lysfs*15). ClinVar contains an entry for this variant (Variation ID: 1457538). For these reasons, this variant has been classified as Pathogenic.

Blueprint Genetics
Classification: Pathogenic for KIAA0586-related disorders. Last evaluated: 2021-06-01. Review status: criteria provided, single submitter. Criteria: ACMG Guidelines, 2015. Collection method: clinical testing. Allele origin: germline. Affected: yes. Observed: 1 variant allele.

Literature cited by the submitters: PubMed 26096313 (cited by Labcorp Genetics (formerly Invitae), Labcorp); PubMed 26166481 (cited by Labcorp Genetics (formerly Invitae), Labcorp); PubMed 26386044 (cited by Labcorp Genetics (formerly Invitae), Labcorp); PubMed 26437029 (cited by Labcorp Genetics (formerly Invitae), Labcorp).